The following is an entry in ClinVar:

ClinVar aggregate classification (germline): Uncertain significance. Review status: criteria provided, multiple submitters, no conflicts (2 of 4 stars). 3 submissions from 3 submitters: Uncertain significance (3). Last evaluated 2026-08-28.

Conditions:
Inborn genetic diseases. Identifiers: MedGen C0950123, MeSH D030342.

Allele frequency attached by ClinVar (database versions not stated): gnomAD exomes 0.00001.

Submissions (3):

GeneDx
Classification: Uncertain significance. Last evaluated: 2026-08-28. Review status: criteria provided, single submitter. Criteria: GeneDx Variant Classification Process June 2021. Collection method: clinical testing. Allele origin: germline.
Comment: Not observed at significant frequency in large population cohorts (gnomAD); In silico analysis supports that this missense variant has a deleterious effect on protein structure/function; Occurs in the triple helical domain at the X position in the canonical Gly-X-Y repeat; although this variant may have an effect on normal protein folding and function, missense substitution at the X position is not a common mechanism of disease; Has not been previously published as pathogenic or benign to our knowledge

Ambry Genetics
Classification: Uncertain significance for Inborn genetic diseases. Last evaluated: 2025-03-26. Review status: criteria provided, single submitter. Criteria: Ambry Variant Classification Scheme 2023. Collection method: clinical testing. Allele origin: germline.

Labcorp Genetics (formerly Invitae), Labcorp
Classification: Uncertain significance. Last evaluated: 2023-12-23. Review status: criteria provided, single submitter. Criteria: Invitae Variant Classification Sherloc (09022015). Collection method: clinical testing. Allele origin: germline.
Comment: This sequence change replaces glutamic acid, which is acidic and polar, with lysine, which is basic and polar, at codon 827 of the COL4A1 protein (p.Glu827Lys). This variant is not present in population databases (gnomAD no frequency). This variant has not been reported in the literature in individuals affected with COL4A1-related conditions. ClinVar contains an entry for this variant (Variation ID: 1699519). An algorithm developed to predict the effect of missense changes on protein structure and function (PolyPhen-2) suggests that this variant is likely to be tolerated. In summary, the available evidence is currently insufficient to determine the role of this variant in disease. Therefore, it has been classified as a Variant of Uncertain Significance.

NM_001845.6(COL4A1):c.2479G>A (p.Glu827Lys)

Gene: COL4A1 (collagen type IV alpha 1 chain; minus strand). Cytogenetic location: 13q34.
Variant type: single nucleotide variant.
Coding change: c.2479G>A on transcript NM_001845.6 (MANE Select); coding-DNA position 2479, G replaced by A.
Protein change: p.Glu827Lys; replaces glutamic acid 827 with lysine.
Molecular consequence: missense variant.
Genome position (GRCh38, 1-based): chr13:110,178,211, C>T on the plus strand (G>A on the coding strand, the complement: COL4A1 is on the minus strand). VCF-style: chr13-110178211-C-T. GRCh37 (hg19) VCF-style: chr13-110830558-C-T.
Other names: short protein forms E827K.
Identifiers: ClinVar variation 1699519 (VCV001699519.7), dbSNP rs2139164381, ClinGen allele CA388668011.